The following is an entry in ClinVar:

ClinVar aggregate classification (germline): Uncertain significance (1 of 4 stars; one submission).

Conditions:
Hajdu-Cheney syndrome (HJCYS). Also called: Acroosteolysis dominant type; SERPENTINE FIBULA-POLYCYSTIC KIDNEY SYNDROME; ACROOSTEOLYSIS WITH OSTEOPOROSIS AND CHANGES IN SKULL AND MANDIBLE. Identifiers: Orphanet 955, MedGen C0917715, MONDO:0007057, OMIM 102500.

gnomAD v4.1: 4 of 1,607,850 alleles (0.00025%); highest among the groups gnomAD compares: African/African-American, 0.004%; no homozygotes.

Submission:

Labcorp Genetics (formerly Invitae), Labcorp
Classification: Uncertain significance for Hajdu-Cheney syndrome. Last evaluated: 2024-04-08. Review status: criteria provided, single submitter. Criteria: Invitae Variant Classification Sherloc (09022015). Collection method: clinical testing. Allele origin: germline.
Comment: This sequence change replaces proline, which is neutral and non-polar, with serine, which is neutral and polar, at codon 2322 of the NOTCH2 protein (p.Pro2322Ser). This variant is present in population databases (rs781030729, gnomAD 0.01%). This variant has not been reported in the literature in individuals affected with NOTCH2-related conditions. Advanced modeling of protein sequence and biophysical properties (such as structural, functional, and spatial information, amino acid conservation, physicochemical variation, residue mobility, and thermodynamic stability) performed at Invitae indicates that this missense variant is not expected to disrupt NOTCH2 protein function with a negative predictive value of 80%. In summary, the available evidence is currently insufficient to determine the role of this variant in disease. Therefore, it has been classified as a Variant of Uncertain Significance.

NM_024408.4(NOTCH2):c.6964C>T (p.Pro2322Ser)

Gene: NOTCH2 (notch receptor 2; minus strand). Cytogenetic location: 1p12.
Variant type: single nucleotide variant.
Coding change: c.6964C>T on transcript NM_024408.4 (MANE Select); coding-DNA position 6964, C replaced by T.
Protein change: p.Pro2322Ser; replaces proline 2322 with serine.
Molecular consequence: missense variant.
Genome position (GRCh38, 1-based): chr1:119,915,758, G>A on the plus strand (C>T on the coding strand, the complement: NOTCH2 is on the minus strand). VCF-style: chr1-119915758-G-A. GRCh37 (hg19) VCF-style: chr1-120458381-G-A.
Other names: short protein forms P2322S.
Identifiers: ClinVar variation 3604931 (VCV003604931.2).